The following is an entry in ClinVar:

ClinVar aggregate classification (germline): Likely pathogenic. Review status: reviewed by expert panel (3 of 4 stars). 5 submissions from 5 submitters: Likely pathogenic (1). 4 of the submissions do not count toward it. Last evaluated 2024-12-06.

Conditions:
Mucopolysaccharidosis type 1. Also called: Mucopolysaccharidosis Type I; IDUA deficiency; MPS I. Identifiers: Orphanet 579, MedGen C0023786, MONDO:0001586.

Allele frequency attached by ClinVar (database versions not stated): ESP Exome Variant Server 0.00008; TOPMed 0.00002; ExAC 0.00003; gnomAD 0.00003.
gnomAD v4.1: 11 of 1,581,410 alleles (0.0007%); highest among the groups gnomAD compares: African/African-American, 0.0013%; no homozygotes.

Submissions (5):

ClinGen Lysosomal Storage Disorder Variant Curation Expert Panel
Classification: Likely pathogenic for Mucopolysaccharidosis type 1. Last evaluated: 2024-12-06. Review status: reviewed by expert panel. Criteria: ClinGen LSD ACMG Specifications IDUA V1.0.0. Collection method: curation. Allele origin: germline. Inheritance: Autosomal recessive inheritance.
Comment: The NM_000203.5:c.793G>C variant in IDUA is a missense variant predicted to cause substitution of glycine by arginine at amino acid 265 (p.Gly265Arg). The variant alters the first nucleotide of exon 7. RNA from two patients with this variant, has been analyzed and includes normally spliced transcripts with the p.Gly265Arg substitution (PMID: 15300847). In one of these patients, transcripts with a 33 bp deletion resulting from use of a cryptic splice site (c.793_825del; p.G265_Q275del) were also detected (PMID: 15300847). Because the impact of this variant on splicing appears to vary, PVS1 will not be applied here at any strength. This variant has been detected in at least 10 individuals with MPS I. Of those individuals, 10 were compound heterozygous for the variant and a variant in IDUA that has been classified as pathogenic or likely pathogenic (variants: c.46_57del, c.1205G>A, c.1487C>G, c.208C>T, and c.979G>C) and none of those were confirmed in trans (PMIDs: 31194252, 30809705, 21394825, 11172140, 35787971) (PM3_Strong). At least 2 patients with this variant had documented deficient IDUA activity in leukocytes, but specific values were not provided, and clinical features consistent with MPS I, including dysostosis multiplex, hepatosplenomegaly, arthropathy, and corneal involvement (PMID: 11172140) (PP4). The highest population minor allele frequency in gnomAD v4.1.0. is 0.00001341 (1/74596 alleles) in the African / African American population, which is lower than the ClinGen Lysosomal Diseases VCEP’s threshold for PM2_Supporting (<0.00025), meeting this criterion (PM2_Supporting). The computational predictor REVEL gives a score of 0.93 which is above the threshold of 0.773, evidence that correlates with a damaging impact to IDUA function at the moderate level (PP3_Moderate) In addition, SpliceAI give a score of 0.39 for acceptor loss, suggesting that this variant may impact splicing. There is a ClinVar entry for this variant (Variation ID: 638074). In summary, this variant meets the criteria to be classified as likely pathogenic for MPS I based on the ACMG/AMP criteria applied, as specified by the ClinGen Lysosomal Diseases Variant Curation Expert Panel (Specifications Version 1.0.0): PM3_Strong, PP3_Moderate, PP4, PM2_Supporting. (Classification approved by the ClinGen Lysosomal Diseases Variant Curation Expert Panel on December 6, 2024)

Labcorp Genetics (formerly Invitae), Labcorp
Classification: Pathogenic for Mucopolysaccharidosis type 1. Last evaluated: 2025-07-27. Review status: criteria provided, single submitter. Criteria: Invitae Variant Classification Sherloc (09022015). Collection method: clinical testing. Allele origin: germline. Not counted in ClinVar's aggregate classification.
Comment: This sequence change replaces glycine, which is neutral and non-polar, with arginine, which is basic and polar, at codon 265 of the IDUA protein (p.Gly265Arg). It affects a nucleotide within the consensus splice site. This variant is present in population databases (rs369090960, gnomAD 0.001%). This missense change has been observed in individual(s) with Scheie or Hurler-Scheie syndrome, the attenuated forms of mucopolysaccharidosis type I (PMID: 15300847, 21394825, 31194252). ClinVar contains an entry for this variant (Variation ID: 638074). Invitae Evidence Modeling of protein sequence and biophysical properties (such as structural, functional, and spatial information, amino acid conservation, physicochemical variation, residue mobility, and thermodynamic stability) indicates that this missense variant is expected to disrupt IDUA protein function with a positive predictive value of 95%. Experimental studies have shown that this missense change affects IDUA function (PMID: 15300847). Variants that disrupt the consensus splice site are a relatively common cause of aberrant splicing (PMID: 17576681, 9536098). Algorithms developed to predict the effect of sequence changes on RNA splicing suggest that this variant may disrupt the consensus splice site. For these reasons, this variant has been classified as Pathogenic.

Natera, Inc.
Classification: Pathogenic for Mucopolysaccharidosis type I. Last evaluated: 2024-12-15. Review status: criteria provided, single submitter. Criteria: Natera Variant Classification Schema (03/2026). Collection method: clinical testing. Allele origin: germline. Not counted in ClinVar's aggregate classification.
Comment: The c.793G>C variant in IDUA is a missense variant predicted to cause substitution of glycine to arginine at amino acid 265. This variant is rare in the general population with a frequency below the threshold expected for the associated phenotype(s). This variant has been observed in one or more individuals affected with the associated recessive disease, as either homozygous or compound heterozygous with a second variant (PMID: 21394825, 31194252, 15300847, 31304092, 35141277). A different variant at the same position has been determined to be Pathogenic or Likely Pathogenic. Computational prediction algorithms indicate this variant is likely to affect gene or protein function. Given the available evidence, this variant is classified as Pathogenic.

Revvity Omics, Revvity
Classification: Likely pathogenic. Last evaluated: 2021-09-21. Review status: criteria provided, single submitter. Criteria: ACMG Guidelines, 2015. Collection method: clinical testing. Allele origin: germline. Not counted in ClinVar's aggregate classification.

Laboratory of Diagnosis and Therapy of Lysosomal Disorders, University of Padova
Classification: Likely pathogenic for Mucopolysaccharidosis type I. Last evaluated: 2019-01-01. Review status: criteria provided, single submitter. Criteria: ACMG Guidelines, 2015. Collection method: literature only. Allele origin: germline. Affected: yes. Not counted in ClinVar's aggregate classification.
Comment: PS3: Low in vivo enzymatic activity in homozygote; low in vitro enzymatic activity. PM2: Very low frequency in ExAC. PP3: Multiple lines of computational evidence evidence supporting a deleterious effect

Literature cited by the submitters: PubMed 15300847 (cited by 3 submitters); PubMed 21394825 (cited by 3 submitters); PubMed 31194252 (cited by Labcorp Genetics (formerly Invitae), Labcorp and Natera, Inc.); PubMed 17576681 (cited by Labcorp Genetics (formerly Invitae), Labcorp); PubMed 9536098 (cited by Labcorp Genetics (formerly Invitae), Labcorp); PubMed 31304092 (cited by Natera, Inc.); PubMed 35141277 (cited by Natera, Inc.); PubMed 30809705 (cited by Laboratory of Diagnosis and Therapy of Lysosomal Disorders, University of Padova).

NM_000203.5(IDUA):c.793G>C (p.Gly265Arg)

Gene: IDUA (alpha-L-iduronidase; plus strand). Cytogenetic location: 4p16.3.
Variant type: single nucleotide variant.
Coding change: c.793G>C on transcript NM_000203.5 (MANE Select); coding-DNA position 793, G replaced by C.
Protein change: p.Gly265Arg; replaces glycine 265 with arginine.
Molecular consequence: missense variant. On other transcripts: non-coding transcript variant (1).
Genome position (GRCh38, 1-based): chr4:1,001,982, G>C. VCF-style: chr4-1001982-G-C. GRCh37 (hg19) VCF-style: chr4-995770-G-C.
Other names: NM_000203.5(IDUA):c.793G>C; p.Gly265Arg; c.397G>C, p.Gly133Arg (NM_001363576.1); short protein forms G265R, G133R.
Identifiers: ClinVar variation 638074 (VCV000638074.18), dbSNP rs369090960, ClinGen allele CA2802098.